The following is an entry in ClinVar:

NM_000533.5(PLP1):c.347C>A (p.Thr116Lys)

Genes: PLP1 (proteolipid protein 1; plus strand), RAB9B (RAB9B, member RAS oncogene family; minus strand). Cytogenetic location: Xq22.2.
Variant type: single nucleotide variant.
Coding change: c.347C>A on transcript NM_000533.5 (MANE Select); coding-DNA position 347, C replaced by A.
Protein change: p.Thr116Lys; replaces threonine 116 with lysine.
Molecular consequence: missense variant.
Genome position (GRCh38, 1-based): chrX:103,786,620, C>A. VCF-style: chrX-103786620-C-A. GRCh37 (hg19) VCF-style: chrX-103041549-C-A.
Other names: c.347C>A, p.Thr116Lys (NM_001128834.3, NM_199478.3); c.182C>A, p.Thr61Lys (NM_001305004.1); short protein forms T116K, T61K.
Identifiers: ClinVar variation 3255420 (VCV003255420.2), dbSNP rs749278720.
Genomic context (GRCh38, chrX:103,786,620, plus strand): 5'-CAGTCAGGCAGATCTTTGGCGACTACAAGACCACCATCTGCGGCAAGGGCCTGAGCGCAA[C>A]GGTAACAGGGGGCCAGAAGGGGAGGGGTTCCAGAGGCCAACATCAAGCTCATTCTTTGGA-3'
Protein context (NP_000524.3, residues 106-126): TTICGKGLSA[Thr116Lys]VTGGQKGRGS

ClinVar aggregate classification (germline): Likely pathogenic (1 of 4 stars; one submission).

Conditions:
Pelizaeus-Merzbacher disease. Also called: LEUKODYSTROPHY, HYPOMYELINATING, 1; Sudanophilic leukodystrophy; Pelizaeus-Merzbacher spectrum disorder; Pelizaeus-Merzbacher Disease (PMD); Pelizeaus-Merzbacher spectrum disorder. Identifiers: Orphanet 702, MedGen C0205711, MONDO:0010714, OMIM 312080, HP:0003269.

Submission:

Molecular Diagnostics Lab, Nemours Children's Health, Delaware
Classification: Likely pathogenic for Pelizaeus-Merzbacher disease. Last evaluated: 2021-11-15. Review status: criteria provided, single submitter. Criteria: ACMG Guidelines, 2015. Collection method: clinical testing. Allele origin: unknown. Inheritance: X-linked inheritance. Affected: yes. Observed: 1 hemizygote.
Comment: This missense variant (c.347C>A, p.The116Lys) has not been observed in population databases (gnomAD). It has been described in the literature (PMID 8909455, PMID 16287154). Variant prediction programs suggest a deleterious effect on the PLP1 protein, and in vitro studies show a significant decrease in PLP1 specific splice products (PMID 16287154).

Literature cited by the submitters: PubMed 8909455; PubMed 16287154.